The following is an entry in ClinVar:

NM_002471.4(MYH6):c.2140C>T (p.Arg714Cys)

Gene: MYH6 (myosin heavy chain 6; minus strand). Cytogenetic location: 14q11.2.
Variant type: single nucleotide variant.
Coding change: c.2140C>T on transcript NM_002471.4 (MANE Select); coding-DNA position 2140, C replaced by T.
Protein change: p.Arg714Cys; replaces arginine 714 with cysteine.
Molecular consequence: missense variant.
Genome position (GRCh38, 1-based): chr14:23,396,991, G>A on the plus strand (C>T on the coding strand, the complement: MYH6 is on the minus strand). VCF-style: chr14-23396991-G-A. GRCh37 (hg19) VCF-style: chr14-23866200-G-A.
Other names: short protein forms R714C.
Identifiers: ClinVar variation 1678435 (VCV001678435.4), dbSNP rs761520417, ClinGen allele CA7115581.

ClinVar aggregate classification (germline): Uncertain significance. Review status: criteria provided, multiple submitters, no conflicts (2 of 4 stars). 3 submissions from 3 submitters: Uncertain significance (3). Last evaluated 2024-04-10.

Conditions:
Cardiovascular phenotype. Identifiers: MedGen CN230736.

Allele frequency attached by ClinVar (database versions not stated): gnomAD 0.00002; TOPMed below 0.00001; ExAC 0.00001; gnomAD exomes 0.00001.
gnomAD v4.1: 20 of 1,613,328 alleles (0.0012%); highest among the groups gnomAD compares: South Asian, 0.0044%; no homozygotes.

Submissions (3):

GeneDx
Classification: Uncertain significance. Last evaluated: 2024-04-10. Review status: criteria provided, single submitter. Criteria: GeneDx Variant Classification Process June 2021. Collection method: clinical testing. Allele origin: germline. Affected: yes.
Comment: Has not been previously published as pathogenic or benign to our knowledge; Not observed at significant frequency in large population cohorts (gnomAD); In silico analysis supports that this missense variant has a deleterious effect on protein structure/function

Ambry Genetics
Classification: Uncertain significance for Cardiovascular phenotype. Last evaluated: 2024-02-24. Review status: criteria provided, single submitter. Criteria: Ambry Variant Classification Scheme 2023. Collection method: clinical testing. Allele origin: germline.
Comment: The p.R714C variant (also known as c.2140C>T), located in coding exon 16 of the MYH6 gene, results from a C to T substitution at nucleotide position 2140. The arginine at codon 714 is replaced by cysteine, an amino acid with highly dissimilar properties. This amino acid position is conserved. In addition, this alteration is predicted to be deleterious by in silico analysis. Since supporting evidence is limited at this time, the clinical significance of this alteration remains unclear.

AiLife Diagnostics
Classification: Uncertain significance. Last evaluated: 2021-06-07. Review status: criteria provided, single submitter. Criteria: ACMG Guidelines, 2015. Collection method: clinical testing. Allele origin: germline. Affected: yes. Observed: 1 variant allele.